The following is an entry in ClinVar:

NM_001113378.2(FANCI):c.2589T>A (p.Asp863Glu)

Gene: FANCI (FA complementation group I; plus strand). Cytogenetic location: 15q26.1.
Variant type: single nucleotide variant.
Coding change: c.2589T>A on transcript NM_001113378.2 (MANE Select); coding-DNA position 2589, T replaced by A.
Protein change: p.Asp863Glu; replaces aspartic acid 863 with glutamic acid.
Molecular consequence: missense variant. On other transcripts: intron variant (1).
Genome position (GRCh38, 1-based): chr15:89,295,047, T>A. VCF-style: chr15-89295047-T-A. GRCh37 (hg19) VCF-style: chr15-89838278-T-A.
Other names: c.2310T>A, p.Asp770Glu (NM_001376910.1); c.2589T>A, p.Asp863Glu (NM_001376911.1); c.2456+1050T>A (NM_018193.3); short protein forms D770E, D863E.
Identifiers: ClinVar variation 884820 (VCV000884820.5), dbSNP rs199758631, ClinGen allele CA274577693.

ClinVar aggregate classification (germline): Uncertain significance. Review status: criteria provided, multiple submitters, no conflicts (2 of 4 stars). 2 submissions from 2 submitters: Uncertain significance (2). Last evaluated 2023-12-04.

Conditions:
Fanconi anemia (FA). Also called: Fanconi's anemia. Identifiers: Orphanet 84, MedGen C0015625, MeSH D005199, MONDO:0019391.
Fanconi anemia complementation group I (FANCI). Also called: FANCI-Related Fanconi Anemia. Identifiers: Orphanet 84, MedGen C1836861, MONDO:0012186, OMIM 609053.

Allele frequency attached by ClinVar (database versions not stated): gnomAD 0.00001; gnomAD exomes 0.00002; TOPMed 0.00002.
gnomAD v4.1: 26 of 1,552,008 alleles (0.0017%); highest among the groups gnomAD compares: Non-Finnish European, 0.0023%; no homozygotes.

Submissions (2):

Labcorp Genetics (formerly Invitae), Labcorp
Classification: Uncertain significance for Fanconi anemia. Last evaluated: 2023-12-04. Review status: criteria provided, single submitter. Criteria: Invitae Variant Classification Sherloc (09022015). Collection method: clinical testing. Allele origin: germline.
Comment: This sequence change replaces aspartic acid, which is acidic and polar, with glutamic acid, which is acidic and polar, at codon 863 of the FANCI protein (p.Asp863Glu). The frequency data for this variant in the population databases is considered unreliable, as metrics indicate poor data quality at this position in the gnomAD database. This variant has not been reported in the literature in individuals affected with FANCI-related conditions. ClinVar contains an entry for this variant (Variation ID: 884820). An algorithm developed to predict the effect of missense changes on protein structure and function (PolyPhen-2) suggests that this variant¬†is likely to be tolerated. In summary, the available evidence is currently insufficient to determine the role of this variant in disease. Therefore, it has been classified as a Variant of Uncertain Significance.

Illumina Laboratory Services, Illumina
Classification: Uncertain significance for Fanconi anemia complementation group I. Last evaluated: 2018-01-13. Review status: criteria provided, single submitter. Criteria: ICSL Variant Classification Criteria 13 December 2019. Collection method: clinical testing. Allele origin: germline.